The following is an entry in ClinVar:

ClinVar aggregate classification (germline): Uncertain significance (1 of 4 stars; one submission).

Allele frequency attached by ClinVar (database versions not stated): gnomAD exomes below 0.00001; gnomAD 0.00001; TOPMed 0.00001.
gnomAD v4.1: 3 of 1,613,908 alleles (0.00019%); highest among the groups gnomAD compares: East Asian, 0.0022%; no homozygotes.

Submission:

Labcorp Genetics (formerly Invitae), Labcorp
Classification: Uncertain significance. Last evaluated: 2023-12-19. Review status: criteria provided, single submitter. Criteria: Invitae Variant Classification Sherloc (09022015). Collection method: clinical testing. Allele origin: germline.
Comment: This sequence change replaces tyrosine, which is neutral and polar, with cysteine, which is neutral and slightly polar, at codon 155 of the CLUAP1 protein (p.Tyr155Cys). This variant is present in population databases (no rsID available, gnomAD 0.007%). This variant has not been reported in the literature in individuals affected with CLUAP1-related conditions. Advanced modeling of protein sequence and biophysical properties (such as structural, functional, and spatial information, amino acid conservation, physicochemical variation, residue mobility, and thermodynamic stability) performed at Invitae indicates that this missense variant is not expected to disrupt CLUAP1 protein function with a negative predictive value of 80%. In summary, the available evidence is currently insufficient to determine the role of this variant in disease. Therefore, it has been classified as a Variant of Uncertain Significance.

NM_015041.3(CLUAP1):c.464A>G (p.Tyr155Cys)

Gene: CLUAP1 (clusterin associated protein 1; plus strand). Cytogenetic location: 16p13.3.
Variant type: single nucleotide variant.
Coding change: c.464A>G on transcript NM_015041.3 (MANE Select); coding-DNA position 464, A replaced by G.
Protein change: p.Tyr155Cys; replaces tyrosine 155 with cysteine.
Molecular consequence: missense variant. On other transcripts: intron variant (1).
Genome position (GRCh38, 1-based): chr16:3,512,447, A>G. VCF-style: chr16-3512447-A-G. GRCh37 (hg19) VCF-style: chr16-3562447-A-G.
Other names: c.464A>G, p.Tyr155Cys (NM_001330454.2); c.-4+2478A>G (NM_024793.3); short protein forms Y155C.
Identifiers: ClinVar variation 2704362 (VCV002704362.3), dbSNP rs1483461481, ClinGen allele CA394512802.
Genomic context (GRCh38, chr16:3,512,447, plus strand): 5'-CAGATTTGAAGGCAGCCAGGCAGCTTGCGTCTGAAATCACCTCCAAAGGAGCATCTCTGT[A>G]TGACTTGCTCGGCATGGAAGTAGAGTTGAGGGTAAGCATTCCAGTACTTCCTTAACCATG-3'
Protein context (NP_055856.1, residues 145-165): SEITSKGASL[Tyr155Cys]DLLGMEVELR